The following is an entry in ClinVar:

NM_001005273.3(CHD3):c.1161G>C (p.Gln387His)

Genes: CHD3 (chromodomain helicase DNA binding protein 3; plus strand), LOC126862484 (CDK7 strongly-dependent group 2 enhancer GRCh37_chr17:7797066-7798265; plus strand). Cytogenetic location: 17p13.1.
Variant type: single nucleotide variant.
Coding change: c.1161G>C on transcript NM_001005273.3 (MANE Select); coding-DNA position 1161, G replaced by C.
Protein change: p.Gln387His; replaces glutamine 387 with histidine.
Molecular consequence: missense variant.
Genome position (GRCh38, 1-based): chr17:7,894,500, G>C. VCF-style: chr17-7894500-G-C. GRCh37 (hg19) VCF-style: chr17-7797818-G-C.
Other names: c.1338G>C, p.Gln446His (NM_001005271.3); c.1161G>C, p.Gln387His (NM_005852.4); short protein forms Q387H, Q446H.
Identifiers: ClinVar variation 3369754 (VCV003369754.1).

ClinVar aggregate classification (germline): Uncertain significance (1 of 4 stars; one submission).

Submission:

GeneDx
Classification: Uncertain significance. Last evaluated: 2024-02-23. Review status: criteria provided, single submitter. Criteria: GeneDx Variant Classification Process June 2021. Collection method: clinical testing. Allele origin: germline. Affected: yes.
Comment: Not observed at significant frequency in large population cohorts (gnomAD); In silico analysis supports that this missense variant has a deleterious effect on protein structure/function; Has not been previously published as pathogenic or benign to our knowledge